The following is an entry in ClinVar:

ClinVar aggregate classification (germline): Uncertain significance (1 of 4 stars; one submission).

Conditions:
Hereditary cancer-predisposing syndrome. Also called: Hereditary Cancer Syndrome; Tumor predisposition; Hereditary neoplastic syndrome; Neoplastic Syndromes, Hereditary. Identifiers: Orphanet 140162, MedGen C0027672, MeSH D009386, MONDO:0015356.

Submission:

Ambry Genetics
Classification: Uncertain significance for Hereditary cancer-predisposing syndrome. Last evaluated: 2024-07-03. Review status: criteria provided, single submitter. Criteria: Ambry Variant Classification Scheme 2023. Collection method: clinical testing. Allele origin: germline.
Comment: The p.R587G variant (also known as c.1759A>G), located in coding exon 14 of the MRE11A gene, results from an A to G substitution at nucleotide position 1759. The arginine at codon 587 is replaced by glycine, an amino acid with dissimilar properties. This amino acid position is conserved. In addition, the in silico prediction for this alteration is inconclusive. Based on the available evidence, the clinical significance of this variant remains unclear.

NM_005591.4(MRE11):c.1759A>G (p.Arg587Gly)

Gene: MRE11 (MRE11 double strand break repair nuclease; minus strand). Cytogenetic location: 11q21.
Variant type: single nucleotide variant.
Coding change: c.1759A>G on transcript NM_005591.4 (MANE Select); coding-DNA position 1759, A replaced by G.
Protein change: p.Arg587Gly; replaces arginine 587 with glycine.
Molecular consequence: missense variant.
Genome position (GRCh38, 1-based): chr11:94,447,243, T>C on the plus strand (A>G on the coding strand, the complement: MRE11 is on the minus strand). VCF-style: chr11-94447243-T-C. GRCh37 (hg19) VCF-style: chr11-94180409-T-C.
Other names: c.1759A>G, p.Arg587Gly (NM_001330347.2, NM_005590.4); short protein forms R587G.
Identifiers: ClinVar variation 3397834 (VCV003397834.1).